The following is an entry in ClinVar:

ClinVar aggregate classification (germline): Conflicting classifications of pathogenicity. Review status: criteria provided, conflicting classifications (1 of 4 stars). 2 submissions from 2 submitters: Likely pathogenic (1); Uncertain significance (1). Last evaluated 2024-12-09.

Conditions:
Familial thoracic aortic aneurysm and aortic dissection (TAAD). Also called: Thoracic aortic aneurysms and dissections. Identifiers: Orphanet 91387, MedGen C4707243, MONDO:0019625.

Submissions (2):

Labcorp Genetics (formerly Invitae), Labcorp
Classification: Likely pathogenic for Familial thoracic aortic aneurysm and aortic dissection. Last evaluated: 2024-12-09. Review status: criteria provided, single submitter. Criteria: Invitae Variant Classification Sherloc (09022015). Collection method: clinical testing. Allele origin: germline.
Comment: This sequence change replaces proline, which is neutral and non-polar, with arginine, which is basic and polar, at codon 393 of the SMAD3 protein (p.Pro393Arg). This variant is not present in population databases (gnomAD no frequency). This missense change has been observed in individuals with SMAD3-related conditions (internal data). ClinVar contains an entry for this variant (Variation ID: 2417809). Invitae Evidence Modeling of protein sequence and biophysical properties (such as structural, functional, and spatial information, amino acid conservation, physicochemical variation, residue mobility, and thermodynamic stability) indicates that this missense variant is expected to disrupt SMAD3 protein function with a positive predictive value of 80%. In summary, the currently available evidence indicates that the variant is pathogenic, but additional data are needed to prove that conclusively. Therefore, this variant has been classified as Likely Pathogenic.

Blueprint Genetics
Classification: Uncertain significance. Last evaluated: 2021-04-26. Review status: criteria provided, single submitter. Criteria: ACMG Guidelines, 2015. Collection method: clinical testing. Allele origin: germline.

NM_005902.4(SMAD3):c.1178C>G (p.Pro393Arg)

Gene: SMAD3 (SMAD family member 3; plus strand). Cytogenetic location: 15q22.33.
Variant type: single nucleotide variant.
Coding change: c.1178C>G on transcript NM_005902.4 (MANE Select); coding-DNA position 1178, C replaced by G.
Protein change: p.Pro393Arg; replaces proline 393 with arginine.
Molecular consequence: missense variant.
Genome position (GRCh38, 1-based): chr15:67,190,436, C>G. VCF-style: chr15-67190436-C-G. GRCh37 (hg19) VCF-style: chr15-67482774-C-G.
Other names: c.863C>G, p.Pro288Arg (NM_001145102.2, NM_001407016.1); c.1046C>G, p.Pro349Arg (NM_001145103.2, NM_001407012.1); c.593C>G, p.Pro198Arg (NM_001145104.2, NM_001407017.1); c.1289C>G, p.Pro430Arg (NM_001407011.1); c.1040C>G, p.Pro347Arg (NM_001407013.1); c.1031C>G, p.Pro344Arg (NM_001407014.1); c.731C>G, p.Pro244Arg (NM_001407015.1); short protein forms P198R, P244R, P288R, P344R, P347R, P349R, P393R, P430R.
Identifiers: ClinVar variation 2417809 (VCV002417809.7), dbSNP rs2505322529, ClinGen allele CA392958691.
Genomic context (GRCh38, chr15:67,190,436, plus strand): 5'-AAGTCCCCCACCCCACCCCTTTCCCTATTTCTTACAGGAGACAGACTGTGACCAGTACCC[C>G]CTGCTGGATTGAGCTGCACCTGAATGGGCCTTTGCAGTGGCTTGACAAGGTCCTCACCCA-3'
Protein context (NP_005893.1, residues 383-403): EYRRQTVTST[Pro393Arg]CWIELHLNGP